The following is an entry in ClinVar:

ClinVar aggregate classification (germline): Likely benign (1 of 4 stars; one submission).

gnomAD v4.1: 471 of 1,598,388 alleles (0.029%); highest among the groups gnomAD compares: African/African-American, 0.39%; 2 homozygotes.

Submission:

CeGaT Center for Human Genetics Tuebingen
Classification: Likely benign. Last evaluated: 2025-09-01. Review status: criteria provided, single submitter. Criteria: CeGaT Center For Human Genetics Tuebingen Variant Classification Criteria Version 2. Collection method: clinical testing. Allele origin: germline. Affected: yes. Observed: 1 variant allele.
Comment: SPTLC1: BS1

NM_006415.4(SPTLC1):c.427+571C>T

Gene: SPTLC1 (serine palmitoyltransferase long chain base subunit 1; minus strand). Cytogenetic location: 9q22.31.
Variant type: single nucleotide variant.
Coding change: c.427+571C>T on transcript NM_006415.4 (MANE Select); 571 bases into the intron after coding-DNA position 427, C replaced by T.
Molecular consequence: intron variant. On other transcripts: missense variant (1), 3 prime UTR variant (1).
Genome position (GRCh38, 1-based): chr9:92,079,445, G>A on the plus strand (C>T on the coding strand, the complement: SPTLC1 is on the minus strand). VCF-style: chr9-92079445-G-A. GRCh37 (hg19) VCF-style: chr9-94841727-G-A.
Other names: c.50C>T, p.Pro17Leu (NM_001368272.1); c.*117C>T (NM_178324.3); c.427+571C>T (NM_001281303.2); c.-39+571C>T (NM_001368273.1); short protein forms P17L.
Identifiers: ClinVar variation 4280871 (VCV004280871.7).
Genomic context (GRCh38, chr9:92,079,445, plus strand): 5'-ATTTAATAACATTTTCAGGAGCAAAGAATATACACTTAATAAAAACAACCATAAAATGCC[G>A]GTCTTCTTTGATGACTCCCAGGGAATTCACTGTATTTGAAATCATACATTCATCAAATAT-3'